The following is an entry in ClinVar:

NM_006922.4(SCN3A):c.1380+4del

Gene: SCN3A (sodium voltage-gated channel alpha subunit 3; minus strand). Cytogenetic location: 2q24.3.
Variant type: Deletion.
Coding change: c.1380+4del on transcript NM_006922.4 (MANE Select); 4 bases into the intron after coding-DNA position 1380, one base deleted (C; older notation c.1380+4delC).
Molecular consequence: intron variant.
Genome position (GRCh38, 1-based): chr2:165,154,448, G deleted on the plus strand (C on the coding strand, the reverse complement: SCN3A is on the minus strand). VCF-style (leftmost placement, unchanged base first): chr2-165154447-AG-A. GRCh37 (hg19) VCF-style: chr2-166010957-AG-A.
Other names: c.1380+4del (NM_001081676.2, NM_001081677.2).
Identifiers: ClinVar variation 1061553 (VCV001061553.9), dbSNP rs764142448, ClinGen allele CA1939187.

ClinVar aggregate classification (germline): Uncertain significance (1 of 4 stars; one submission).

Allele frequency attached by ClinVar (database versions not stated): gnomAD exomes 0.00001 and 0.00003; ExAC 0.00002; gnomAD 0.00002; TOPMed 0.00002.

Submission:

Labcorp Genetics (formerly Invitae), Labcorp
Classification: Uncertain significance. Last evaluated: 2024-11-21. Review status: criteria provided, single submitter. Criteria: Invitae Variant Classification Sherloc (09022015). Collection method: clinical testing. Allele origin: germline.
Comment: This sequence change falls in intron 11 of the SCN3A gene. It does not directly change the encoded amino acid sequence of the SCN3A protein. It affects a nucleotide within the consensus splice site. This variant is present in population databases (rs764142448, gnomAD 0.003%). This variant has not been reported in the literature in individuals affected with SCN3A-related conditions. ClinVar contains an entry for this variant (Variation ID: 1061553). Variants that disrupt the consensus splice site are a relatively common cause of aberrant splicing (PMID: 17576681, 9536098). Algorithms developed to predict the effect of sequence changes on RNA splicing suggest that this variant is not likely to affect RNA splicing. In summary, the available evidence is currently insufficient to determine the role of this variant in disease. Therefore, it has been classified as a Variant of Uncertain Significance.

Literature cited by the submitters: PubMed 17576681; PubMed 9536098.